The following is an entry in ClinVar:

ClinVar aggregate classification (germline): Uncertain significance (1 of 4 stars; one submission).

Conditions:
Familial melanoma. Also called: Hereditary melanoma; Hereditary cutaneous melanoma. Identifiers: Orphanet 618, MedGen C1512419, MONDO:0018961.

Submission:

Labcorp Genetics (formerly Invitae), Labcorp
Classification: Uncertain significance for Familial melanoma. Last evaluated: 2024-01-31. Review status: criteria provided, single submitter. Criteria: Invitae Variant Classification Sherloc (09022015). Collection method: clinical testing. Allele origin: unknown.
Comment: A copy number gain of the genomic region encompassing the full coding sequence of the CDKN2A (p16INK4a) gene has been identified. The boundaries of this event are unknown as they extend beyond the assayed region for this gene and therefore may encompass additional genes. As the precise location of this event is unknown, it may be in tandem or it may be located elsewhere in the genome. This variant has not been reported in the literature in individuals affected with CDKN2A (p16INK4a)-related conditions. In summary, the available evidence is currently insufficient to determine the role of this variant in disease. Therefore, it has been classified as a Variant of Uncertain Significance.

NC_000009.11:g.(?_21968228)_(21994330_?)dup

Gene: CDKN2A (cyclin dependent kinase inhibitor 2A; minus strand). Cytogenetic location: 9p21.3.
Variant type: Duplication.
Identifiers: ClinVar variation 3245176 (VCV003245176.1).